The following is an entry in ClinVar:

ClinVar aggregate classification (germline): Likely benign (0 of 4 stars; one submission).

Conditions:
BIN1-related disorder. Also called: BIN1-related condition.

gnomAD v4.1: 1 of 1,614,108 alleles (0.000062%); highest among the groups gnomAD compares: African/African-American, 0.0013%; no homozygotes.

Submission:

PreventionGenetics, part of Exact Sciences
Classification: Likely benign for BIN1-related condition. Last evaluated: 2023-12-19. Review status: no assertion criteria provided. Collection method: clinical testing. Allele origin: germline.
Comment: This variant is classified as likely benign based on ACMG/AMP sequence variant interpretation guidelines (Richards et al. 2015 PMID: 25741868, with internal and published modifications).

NM_139343.3(BIN1):c.342C>T (p.Tyr114=)

Gene: BIN1 (bridging integrator 1; minus strand). Cytogenetic location: 2q14.3.
Variant type: single nucleotide variant.
Coding change: c.342C>T on transcript NM_139343.3 (MANE Select); coding-DNA position 342, C replaced by T.
Protein change: p.Tyr114=; no amino-acid change (tyrosine 114 retained).
Molecular consequence: synonymous variant.
Genome position (GRCh38, 1-based): chr2:127,070,064, G>A on the plus strand (C>T on the coding strand, the complement: BIN1 is on the minus strand). VCF-style: chr2-127070064-G-A. GRCh37 (hg19) VCF-style: chr2-127827640-G-A.
Other names: c.342C>T, p.Tyr114= (NM_001320632.2, NM_001320633.2, NM_001320640.2 and 10 more transcripts); c.270C>T, p.Tyr90= (NM_001320634.1); c.261C>T, p.Tyr87= (NM_001320642.1).
Identifiers: ClinVar variation 3051194 (VCV003051194.2), dbSNP rs2467415473, ClinGen allele CA428589948.